The following is an entry in ClinVar:

ClinVar aggregate classification (germline): Uncertain significance (1 of 4 stars; one submission).

Conditions:
Arrhythmogenic right ventricular dysplasia 8 (ARVD8). Also called: ARRHYTHMOGENIC RIGHT VENTRICULAR DYSPLASIA, FAMILIAL, 8; ARRHYTHMOGENIC RIGHT VENTRICULAR CARDIOMYOPATHY 8; Arrhythmogenic Right Ventricular Dysplasia/Cardiomyopathy 8. Identifiers: MedGen C1843896, MONDO:0011831, OMIM 607450.
Arrhythmogenic cardiomyopathy with wooly hair and keratoderma. Also called: Dilated cardiomyopathy with woolly hair and keratoderma; Arrhythmogenic cardiomyopathy with woolly hair and keratoderma; PALMOPLANTAR KERATODERMA WITH LEFT VENTRICULAR CARDIOMYOPATHY AND WOOLLY HAIR; Carvajal syndrome. Identifiers: Orphanet 65282, MedGen C1854063, MONDO:0011581, OMIM 605676.

Submission:

Labcorp Genetics (formerly Invitae), Labcorp
Classification: Uncertain significance for Arrhythmogenic cardiomyopathy with wooly hair and keratoderma; Arrhythmogenic right ventricular dysplasia 8. Last evaluated: 2024-03-07. Review status: criteria provided, single submitter. Criteria: Invitae Variant Classification Sherloc (09022015). Collection method: clinical testing. Allele origin: germline.
Comment: This sequence change replaces aspartic acid, which is acidic and polar, with valine, which is neutral and non-polar, at codon 942 of the DSP protein (p.Asp942Val). This variant is not present in population databases (gnomAD no frequency). This variant has not been reported in the literature in individuals affected with DSP-related conditions. ClinVar contains an entry for this variant (Variation ID: 1955282). An algorithm developed to predict the effect of missense changes on protein structure and function (PolyPhen-2) suggests that this variant is likely to be disruptive. In summary, the available evidence is currently insufficient to determine the role of this variant in disease. Therefore, it has been classified as a Variant of Uncertain Significance.

NM_004415.4(DSP):c.2825A>T (p.Asp942Val)

Gene: DSP (desmoplakin; plus strand). Cytogenetic location: 6p24.3.
Variant type: single nucleotide variant.
Coding change: c.2825A>T on transcript NM_004415.4 (MANE Select); coding-DNA position 2825, A replaced by T.
Protein change: p.Asp942Val; replaces aspartic acid 942 with valine.
Molecular consequence: missense variant.
Genome position (GRCh38, 1-based): chr6:7,576,990, A>T. VCF-style: chr6-7576990-A-T. GRCh37 (hg19) VCF-style: chr6-7577223-A-T.
Other names: c.2825A>T, p.Asp942Val (NM_001008844.3, NM_001319034.2); short protein forms D942V.
Identifiers: ClinVar variation 1955282 (VCV001955282.5), dbSNP rs2533913784, ClinGen allele CA362682226.